The following is an entry in ClinVar:

NM_000018.4(ACADVL):c.1313G>C (p.Gly438Ala)

Gene: ACADVL (acyl-CoA dehydrogenase very long chain; plus strand). Cytogenetic location: 17p13.1.
Variant type: single nucleotide variant.
Coding change: c.1313G>C on transcript NM_000018.4 (MANE Select); coding-DNA position 1313, G replaced by C.
Protein change: p.Gly438Ala; replaces glycine 438 with alanine.
Molecular consequence: missense variant.
Genome position (GRCh38, 1-based): chr17:7,223,856, G>C. VCF-style: chr17-7223856-G-C. GRCh37 (hg19) VCF-style: chr17-7127175-G-C.
Other names: c.1247G>C, p.Gly416Ala (NM_001033859.3); c.1382G>C, p.Gly461Ala (NM_001270447.2); c.1085G>C, p.Gly362Ala (NM_001270448.2); short protein forms G416A, G438A, G362A, G461A.
Identifiers: ClinVar variation 2910360 (VCV002910360.3), dbSNP rs748450834, ClinGen allele CA8338064.

ClinVar aggregate classification (germline): Likely pathogenic (1 of 4 stars; one submission).

Conditions:
Very long chain acyl-CoA dehydrogenase deficiency (ACADVLD). Also called: Very Long-Chain Acyl-Coenzyme A Dehydrogenase Deficiency; VLCAD Deficiency. Identifiers: Orphanet 26793, MedGen C3887523, MONDO:0008723, OMIM 201475.

Allele frequency attached by ClinVar (database versions not stated): gnomAD exomes below 0.00001; ExAC 0.00001.
gnomAD v4.1: 4 of 1,614,092 alleles (0.00025%); highest among the groups gnomAD compares: South Asian, 0.0022%; no homozygotes.

Submission:

Labcorp Genetics (formerly Invitae), Labcorp
Classification: Likely pathogenic for Very long chain acyl-CoA dehydrogenase deficiency. Last evaluated: 2023-09-09. Review status: criteria provided, single submitter. Criteria: Invitae Variant Classification Sherloc (09022015). Collection method: clinical testing. Allele origin: germline.
Comment: In summary, the currently available evidence indicates that the variant is pathogenic, but additional data are needed to prove that conclusively. Therefore, this variant has been classified as Likely Pathogenic. This variant disrupts the p.Gly438 amino acid residue in ACADVL. Other variant(s) that disrupt this residue have been determined to be pathogenic (Invitae). This suggests that this residue is clinically significant, and that variants that disrupt this residue are likely to be disease-causing. Algorithms developed to predict the effect of sequence changes on RNA splicing suggest that this variant may create or strengthen a splice site. Advanced modeling of protein sequence and biophysical properties (such as structural, functional, and spatial information, amino acid conservation, physicochemical variation, residue mobility, and thermodynamic stability) performed at Invitae indicates that this missense variant is expected to disrupt ACADVL protein function. This variant has not been reported in the literature in individuals affected with ACADVL-related conditions. This variant is present in population databases (rs748450834, gnomAD 0.004%). This sequence change replaces glycine, which is neutral and non-polar, with alanine, which is neutral and non-polar, at codon 438 of the ACADVL protein (p.Gly438Ala).